The following is an entry in ClinVar:

ClinVar aggregate classification (germline): Uncertain significance (1 of 4 stars; one submission).

Conditions:
Inborn genetic diseases. Identifiers: MedGen C0950123, MeSH D030342.

Allele frequency attached by ClinVar (database versions not stated): gnomAD exomes below 0.00001.
gnomAD v4.1: 1 of 1,578,700 alleles (0.000063%); highest among the groups gnomAD compares: African/African-American, 0.0013%; no homozygotes.

Submission:

Ambry Genetics
Classification: Uncertain significance for Inborn genetic diseases. Last evaluated: 2021-09-30. Review status: criteria provided, single submitter. Criteria: Ambry Variant Classification Scheme 2023. Collection method: clinical testing. Allele origin: germline.
Comment: The p.Q281P variant (also known as c.842A>C), located in coding exon 3 of the LTBP3 gene, results from an A to C substitution at nucleotide position 842. The glutamine at codon 281 is replaced by proline, an amino acid with similar properties. This amino acid position is conserved. In addition, this alteration is predicted to be deleterious by in silico analysis. Since supporting evidence is limited at this time, the clinical significance of this alteration remains unclear.

NM_001130144.3(LTBP3):c.842A>C (p.Gln281Pro)

Gene: LTBP3 (latent transforming growth factor beta binding protein 3; minus strand). Cytogenetic location: 11q13.1.
Variant type: single nucleotide variant.
Coding change: c.842A>C on transcript NM_001130144.3 (MANE Select); coding-DNA position 842, A replaced by C.
Protein change: p.Gln281Pro; replaces glutamine 281 with proline.
Molecular consequence: missense variant.
Genome position (GRCh38, 1-based): chr11:65,553,723, T>G on the plus strand (A>C on the coding strand, the complement: LTBP3 is on the minus strand). VCF-style: chr11-65553723-T-G. GRCh37 (hg19) VCF-style: chr11-65321194-T-G.
Other names: c.491A>C, p.Gln164Pro (NM_001164266.1); c.842A>C, p.Gln281Pro (NM_021070.4); short protein forms Q164P, Q281P.
Identifiers: ClinVar variation 1763335 (VCV001763335.2), dbSNP rs2496175538, ClinGen allele CA381275511.